The following is an entry in ClinVar:

ClinVar aggregate classification (germline): Benign/Likely benign (0 of 4 stars; one submission).

Submission:

ISCA Site 6
Classification: Benign/Likely benign. Review status: no assertion criteria provided. Collection method: clinical testing. Allele origin: unknown. Affected: yes. Observed: 21 variant alleles. Clinical features observed: Developmental delay AND/OR other significant developmental or morphological phenotypes.
Comment: Likely benign (3), Benign (18)

Copy number variation identified through the course of routine clinical cytogenomic testing in postnatal populations, with clinical assertions as classified by the original submitter. For data from the original published study, Kaminsky, et al. 2011 (PubMed 21844811), please see nstd101.

GRCh37/hg19 2q21.1-21.2(chr2:132290940-132508293)x3

Genes: CCDC74A (coiled-coil domain containing 74A; plus strand), LINC03124 (long intergenic non-protein coding RNA 3124; plus strand). Cytogenetic location: 2q21.1-21.2.
Variant type: copy number gain.
Change: copy number 3 (three copies instead of two) of chr2:132,290,940-132,508,293 (217.4 kb, GRCh37 coordinates, 1-based), cytogenetic band 2q21.1-21.2.
Identifiers: ClinVar variation 395345 (VCV000395345.3).